The following is an entry in ClinVar:

NM_001346754.2(PIGW):c.547C>G (p.Leu183Val)

Genes: MYO19 (myosin XIX; minus strand), PIGW (phosphatidylinositol glycan anchor biosynthesis class W; plus strand). Cytogenetic location: 17q12.
Variant type: single nucleotide variant.
Coding change: c.547C>G on transcript NM_001346754.2 (MANE Select); coding-DNA position 547, C replaced by G.
Protein change: p.Leu183Val; replaces leucine 183 with valine.
Molecular consequence: missense variant.
Genome position (GRCh38, 1-based): chr17:36,537,648, C>G. VCF-style: chr17-36537648-C-G. GRCh37 (hg19) VCF-style: chr17-34893497-C-G.
Other names: c.547C>G, p.Leu183Val (NM_001346755.2, NM_178517.5); short protein forms L183V.
Identifiers: ClinVar variation 2112545 (VCV002112545.4), dbSNP rs2074160856, ClinGen allele CA399162910.

ClinVar aggregate classification (germline): Uncertain significance (1 of 4 stars; one submission).

Conditions:
Hyperphosphatasia with intellectual disability syndrome 5 (GPIBD11). Also called: GLYCOSYLPHOSPHATIDYLINOSITOL BIOSYNTHESIS DEFECT 11. Identifiers: Orphanet 247262, MedGen C4014958, MONDO:0014457, OMIM 616025.

gnomAD v4.1: 1 of 1,614,096 alleles (0.000062%); highest among the groups gnomAD compares: East Asian, 0.0022%; no homozygotes.

Submission:

Labcorp Genetics (formerly Invitae), Labcorp
Classification: Uncertain significance for Hyperphosphatasia with intellectual disability syndrome 5. Last evaluated: 2022-03-15. Review status: criteria provided, single submitter. Criteria: Invitae Variant Classification Sherloc (09022015). Collection method: clinical testing. Allele origin: germline.
Comment: This sequence change replaces leucine, which is neutral and non-polar, with valine, which is neutral and non-polar, at codon 183 of the PIGW protein (p.Leu183Val). This variant has not been reported in the literature in individuals affected with PIGW-related conditions. This variant is not present in population databases (gnomAD no frequency). In summary, the available evidence is currently insufficient to determine the role of this variant in disease. Therefore, it has been classified as a Variant of Uncertain Significance. Algorithms developed to predict the effect of missense changes on protein structure and function (SIFT, PolyPhen-2, Align-GVGD) all suggest that this variant is likely to be tolerated.